The following is an entry in ClinVar:

ClinVar aggregate classification (germline): Uncertain significance (1 of 4 stars; one submission).

Conditions:
Periodic fever-infantile enterocolitis-autoinflammatory syndrome. Also called: Autoinflammation with infantile enterocolitis. Identifiers: Orphanet 436166, MedGen C4015067, MONDO:0014472, OMIM 616050.
Familial cold autoinflammatory syndrome 4 (FCAS4). Identifiers: Orphanet 47045, Orphanet 576349, MedGen C4015276, MONDO:0014498, OMIM 616115.

Submission:

Labcorp Genetics (formerly Invitae), Labcorp
Classification: Uncertain significance for Periodic fever-infantile enterocolitis-autoinflammatory syndrome; Familial cold autoinflammatory syndrome 4. Last evaluated: 2024-09-29. Review status: criteria provided, single submitter. Criteria: Invitae Variant Classification Sherloc (09022015). Collection method: clinical testing. Allele origin: germline.
Comment: This sequence change replaces aspartic acid, which is acidic and polar, with valine, which is neutral and non-polar, at codon 779 of the NLRC4 protein (p.Asp779Val). This variant is not present in population databases (gnomAD no frequency). This variant has not been reported in the literature in individuals affected with NLRC4-related conditions. Invitae Evidence Modeling of protein sequence and biophysical properties (such as structural, functional, and spatial information, amino acid conservation, physicochemical variation, residue mobility, and thermodynamic stability) indicates that this missense variant is not expected to disrupt NLRC4 protein function with a negative predictive value of 80%. In summary, the available evidence is currently insufficient to determine the role of this variant in disease. Therefore, it has been classified as a Variant of Uncertain Significance.

NM_001199138.2(NLRC4):c.2336A>T (p.Asp779Val)

Gene: NLRC4 (NLR family CARD domain containing 4; minus strand). Cytogenetic location: 2p22.3.
Variant type: single nucleotide variant.
Coding change: c.2336A>T on transcript NM_001199138.2 (MANE Select); coding-DNA position 2336, A replaced by T.
Protein change: p.Asp779Val; replaces aspartic acid 779 with valine.
Molecular consequence: missense variant.
Genome position (GRCh38, 1-based): chr2:32,241,047, T>A on the plus strand (A>T on the coding strand, the complement: NLRC4 is on the minus strand). VCF-style: chr2-32241047-T-A. GRCh37 (hg19) VCF-style: chr2-32466116-T-A.
Other names: c.2336A>T, p.Asp779Val (NM_001199139.2, NM_021209.5); c.341A>T, p.Asp114Val (NM_001302504.2); short protein forms D114V, D779V.
Identifiers: ClinVar variation 3755844 (VCV003755844.2).
Genomic context (GRCh38, chr2:32,241,047, plus strand): 5'-TATTATCAAACTTACATTGATACAAATATGAGAACAGAAATCTGACCTAGTTTTATAGCA[T>A]CTTCTTCATTCATCTTTATGTTATCCATTATGAGCTTTGTAAGGTTCTTCAAGTTACCCA-3'
Protein context (NP_001186067.1, residues 769-789): IMDNIKMNEE[Asp779Val]AIKLAEGLKN